The following is an entry in ClinVar:

NM_001130438.3(SPTAN1):c.783C>A (p.Asn261Lys)

Gene: SPTAN1 (spectrin alpha, non-erythrocytic 1; plus strand). Cytogenetic location: 9q34.11.
Variant type: single nucleotide variant.
Coding change: c.783C>A on transcript NM_001130438.3 (MANE Select); coding-DNA position 783, C replaced by A.
Protein change: p.Asn261Lys; replaces asparagine 261 with lysine.
Molecular consequence: missense variant.
Genome position (GRCh38, 1-based): chr9:128,576,954, C>A. VCF-style: chr9-128576954-C-A. GRCh37 (hg19) VCF-style: chr9-131339233-C-A.
Other names: c.783C>A, p.Asn261Lys (NM_001195532.2, NM_001363759.2, NM_001363765.2 and 10 more transcripts); c.819C>A, p.Asn273Lys (NM_001375312.2, NM_001375318.1, NM_001438440.1); short protein forms N261K, N273K.
Identifiers: ClinVar variation 4976059 (VCV004976059.1).

ClinVar aggregate classification (germline): Uncertain significance (1 of 4 stars; one submission).

gnomAD v4.1: 1 of 1,614,118 alleles (0.000062%); highest among the groups gnomAD compares: Non-Finnish European, 0.000085%; no homozygotes.

Submission:

GeneDx
Classification: Uncertain significance. Last evaluated: 2026-02-02. Review status: criteria provided, single submitter. Criteria: GeneDx Variant Classification Process June 2021. Collection method: clinical testing. Allele origin: germline.
Comment: Not observed at significant frequency in large population cohorts (gnomAD); In silico analysis supports that this missense variant has a deleterious effect on protein structure/function; Has not been previously published as pathogenic or benign to our knowledge